The following is an entry in ClinVar:

ClinVar aggregate classification (germline): Uncertain significance. Review status: criteria provided, multiple submitters, no conflicts (2 of 4 stars). 6 submissions from 6 submitters: Uncertain significance (5). 1 of the submissions does not count toward it. Last evaluated 2026-01-27.

Conditions:
Hereditary cancer-predisposing syndrome. Also called: Neoplastic Syndromes, Hereditary; Hereditary Cancer Syndrome; Tumor predisposition; Hereditary neoplastic syndrome. Identifiers: Orphanet 140162, MedGen C0027672, MeSH D009386, MONDO:0015356.
Familial cancer of breast. Also called: BREAST CANCER, FAMILIAL; hereditary breast carcinoma; Hereditary breast cancer. Identifiers: Orphanet 227535, MedGen C0346153, MONDO:0016419, OMIM 114480. Disease mechanism: loss of function.
Ataxia-telangiectasia syndrome (AT). Also called: Ataxia-telangiectasia, complementation group D; AT, COMPLEMENTATION GROUP C; Ataxia-telangiectasia; ATAXIA-TELANGIECTASIA, COMPLEMENTATION GROUP A; ATAXIA-TELANGIECTASIA, FRESNO VARIANT; Ataxia-telangiectasia, complementation group E. Identifiers: Orphanet 100, MedGen C0004135, MONDO:0008840, OMIM 208900.

Allele frequency attached by ClinVar (database versions not stated): gnomAD 0.00003; gnomAD exomes below 0.00001; TOPMed below 0.00001.
gnomAD v4.1: 3 of 1,614,156 alleles (0.00019%); highest among the groups gnomAD compares: South Asian, 0.0022%; no homozygotes.

Submissions (6):

Labcorp Genetics (formerly Invitae), Labcorp
Classification: Uncertain significance for Ataxia-telangiectasia syndrome. Last evaluated: 2026-01-27. Review status: criteria provided, single submitter. Criteria: Invitae Variant Classification Sherloc (09022015). Collection method: clinical testing. Allele origin: germline.
Comment: This sequence change replaces methionine, which is neutral and non-polar, with valine, which is neutral and non-polar, at codon 2405 of the ATM protein (p.Met2405Val). This variant is present in population databases (rs587781323, gnomAD 0.003%). This variant has not been reported in the literature in individuals affected with ATM-related conditions. ClinVar contains an entry for this variant (Variation ID: 140856). Invitae Evidence Modeling of protein sequence and biophysical properties (such as structural, functional, and spatial information, amino acid conservation, physicochemical variation, residue mobility, and thermodynamic stability) has been performed for this missense variant. However, the output from this modeling did not meet the statistical confidence thresholds required to predict the impact of this variant on ATM protein function. In summary, the available evidence is currently insufficient to determine the role of this variant in disease. Therefore, it has been classified as a Variant of Uncertain Significance.

Ambry Genetics
Classification: Uncertain significance for Hereditary cancer-predisposing syndrome. Last evaluated: 2025-10-28. Review status: criteria provided, single submitter. Criteria: Ambry Variant Classification Scheme 2023. Collection method: clinical testing. Allele origin: germline.
Comment: The p.M2405V variant (also known as c.7213A>G), located in coding exon 48 of the ATM gene, results from an A to G substitution at nucleotide position 7213. The methionine at codon 2405 is replaced by valine, an amino acid with highly similar properties. This amino acid position is highly conserved in available vertebrate species. In addition, this alteration is predicted to be deleterious by in silico analysis. Since supporting evidence is limited at this time, the clinical significance of this alteration remains unclear.

Quest Diagnostics Nichols Institute San Juan Capistrano
Classification: Uncertain significance. Last evaluated: 2025-01-31. Review status: criteria provided, single submitter. Criteria: Quest Diagnostics criteria. Collection method: clinical testing. Allele origin: unknown.

Color Diagnostics, LLC DBA Color Health
Classification: Uncertain significance for Hereditary cancer-predisposing syndrome. Last evaluated: 2024-02-06. Review status: criteria provided, single submitter. Criteria: ACMG Guidelines, 2015. Collection method: clinical testing. Allele origin: germline.
Comment: This missense variant replaces methionine with valine at codon 2405 of the ATM protein. Computational prediction is inconclusive regarding the impact of this variant on protein structure and function. To our knowledge, functional studies have not been reported for this variant. This variant has not been reported in individuals affected with ATM-related disorders in the literature. This variant has been identified in 2/282734 chromosomes in the general population by the Genome Aggregation Database (gnomAD). The available evidence is insufficient to determine the role of this variant in disease conclusively. Therefore, this variant is classified as a Variant of Uncertain Significance.

Baylor Genetics
Classification: Uncertain significance for Familial cancer of breast. Last evaluated: 2023-05-16. Review status: criteria provided, single submitter. Criteria: ACMG Guidelines, 2015. Collection method: clinical testing. Allele origin: unknown.

Natera, Inc.
Classification: Uncertain significance for Ataxia-telangiectasia. Last evaluated: 2021-02-17. Review status: no assertion criteria provided. Collection method: clinical testing. Allele origin: germline. Not counted in ClinVar's aggregate classification.

NM_000051.4(ATM):c.7213A>G (p.Met2405Val)

Genes: ATM (ATM serine/threonine kinase; plus strand), C11orf65 (chromosome 11 open reading frame 65; minus strand). Cytogenetic location: 11q22.3.
Variant type: single nucleotide variant.
Coding change: c.7213A>G on transcript NM_000051.4 (MANE Select); coding-DNA position 7213, A replaced by G.
Protein change: p.Met2405Val; replaces methionine 2405 with valine.
Molecular consequence: missense variant. On other transcripts: intron variant (2).
Genome position (GRCh38, 1-based): chr11:108,329,144, A>G. VCF-style: chr11-108329144-A-G. GRCh37 (hg19) VCF-style: chr11-108199871-A-G.
Other names: c.7213A>G, p.Met2405Val (NM_001351834.2); c.641-20073T>C (NM_001330368.2); c.*38+6076T>C (NM_001351110.2); short protein forms M2405V.
Identifiers: ClinVar variation 140856 (VCV000140856.25), dbSNP rs587781323, ClinGen allele CA163750.
Genomic context (GRCh38, chr11:108,329,144, plus strand): 5'-AAGGCATTTCTCTCATTAGCCCGGTTTTCAGATACTCAATACCAAAGAATTGAAAACTAC[A>G]TGAAATCATCGGAATTTGAAAACAAGCAAGCTCTCCTGAAAAGAGCCAAAGAGGAAGTAG-3'
Protein context (NP_000042.3, residues 2395-2415): DTQYQRIENY[Met2405Val]KSSEFENKQA